The following is an entry in ClinVar:

NM_018089.3(ANKZF1):c.1123A>G (p.Lys375Glu)

Gene: ANKZF1 (ankyrin repeat and zinc finger peptidyl tRNA hydrolase 1; plus strand). Cytogenetic location: 2q35.
Variant type: single nucleotide variant.
Coding change: c.1123A>G on transcript NM_018089.3 (MANE Select); coding-DNA position 1123, A replaced by G.
Protein change: p.Lys375Glu; replaces lysine 375 with glutamic acid.
Molecular consequence: missense variant.
Genome position (GRCh38, 1-based): chr2:219,234,207, A>G. VCF-style: chr2-219234207-A-G. GRCh37 (hg19) VCF-style: chr2-220098929-A-G.
Other names: c.1123A>G, p.Lys375Glu (NM_001042410.2); c.493A>G, p.Lys165Glu (NM_001282792.2); short protein forms K165E, K375E.
Identifiers: ClinVar variation 1715109 (VCV001715109.5), dbSNP rs528605919, ClinGen allele CA350678987.
Genomic context (GRCh38, chr2:219,234,207, plus strand): 5'-GAAGCAGTCAGACTGCACTCACCTCAGACACACTGGAAAACAGTAAGAGAGGAGAGAAAG[A>G]AGCCTACTGAGGAAGAAATAAGAAAGATCTGCAGGGATGAAAAGGAAGCGCTGGGGCAGA-3'
Protein context (NP_060559.2, residues 365-385): HWKTVREERK[Lys375Glu]PTEEEIRKIC

ClinVar aggregate classification (germline): Uncertain significance (1 of 4 stars; one submission).

Submission:

Labcorp Genetics (formerly Invitae), Labcorp
Classification: Uncertain significance. Last evaluated: 2022-09-27. Review status: criteria provided, single submitter. Criteria: Invitae Variant Classification Sherloc (09022015). Collection method: clinical testing. Allele origin: germline.
Comment: This sequence change replaces lysine, which is basic and polar, with glutamic acid, which is acidic and polar, at codon 375 of the ANKZF1 protein (p.Lys375Glu). This variant is not present in population databases (gnomAD no frequency). In summary, the available evidence is currently insufficient to determine the role of this variant in disease. Therefore, it has been classified as a Variant of Uncertain Significance. Algorithms developed to predict the effect of missense changes on protein structure and function output the following: SIFT: "Tolerated"; PolyPhen-2: "Benign"; Align-GVGD: "Class C0". The glutamic acid amino acid residue is found in multiple mammalian species, which suggests that this missense change does not adversely affect protein function. This variant has not been reported in the literature in individuals affected with ANKZF1-related conditions.